The following is an entry in ClinVar:

NM_001378457.1(DMXL2):c.887C>T (p.Ser296Phe)

Gene: DMXL2 (Dmx like 2; minus strand). Cytogenetic location: 15q21.2.
Variant type: single nucleotide variant.
Coding change: c.887C>T on transcript NM_001378457.1 (MANE Select); coding-DNA position 887, C replaced by T.
Protein change: p.Ser296Phe; replaces serine 296 with phenylalanine.
Molecular consequence: missense variant. On other transcripts: non-coding transcript variant (2).
Genome position (GRCh38, 1-based): chr15:51,545,626, G>A on the plus strand (C>T on the coding strand, the complement: DMXL2 is on the minus strand). VCF-style: chr15-51545626-G-A. GRCh37 (hg19) VCF-style: chr15-51837823-G-A.
Other names: c.887C>T, p.Ser296Phe (NM_001174116.3, NM_001174117.3, NM_001378458.1 and 7 more transcripts); c.887C>T (NM_001174116.1); short protein forms S296F.
Identifiers: ClinVar variation 2181917 (VCV002181917.3), dbSNP rs753940120, ClinGen allele CA7562717.

ClinVar aggregate classification (germline): Uncertain significance. Review status: criteria provided, multiple submitters, no conflicts (2 of 4 stars). 3 submissions from 3 submitters: Uncertain significance (3). Last evaluated 2026-06-17.

Conditions:
DMXL2-related disorder. Also called: DMXL2-related condition.
Inborn genetic diseases. Identifiers: MedGen C0950123, MeSH D030342.

Allele frequency attached by ClinVar (database versions not stated): ExAC 0.00001; gnomAD 0.00001; TOPMed 0.00001.
gnomAD v4.1: 25 of 1,613,478 alleles (0.0015%); highest among the groups gnomAD compares: Admixed American, 0.022%; no homozygotes.

Submissions (3):

PreventionGenetics, part of Exact Sciences
Classification: Uncertain significance for DMXL2-related condition. Last evaluated: 2026-06-17. Review status: criteria provided, single submitter. Criteria: ACMG Guidelines, 2015. Collection method: clinical testing. Allele origin: germline.
Comment: The DMXL2 c.887C>T variant is predicted to result in the amino acid substitution p.Ser296Phe. To our knowledge, this variant has not been reported in the literature. This variant is reported in 0.0062% of alleles in individuals of African descent in gnomAD. At this time, the clinical significance of this variant is uncertain due to the absence of conclusive functional and genetic evidence.

Ambry Genetics
Classification: Uncertain significance for Inborn genetic diseases. Last evaluated: 2023-12-17. Review status: criteria provided, single submitter. Criteria: Ambry Variant Classification Scheme 2023. Collection method: clinical testing. Allele origin: germline.

Labcorp Genetics (formerly Invitae), Labcorp
Classification: Uncertain significance. Last evaluated: 2022-07-25. Review status: criteria provided, single submitter. Criteria: Invitae Variant Classification Sherloc (09022015). Collection method: clinical testing. Allele origin: germline.
Comment: This sequence change replaces serine, which is neutral and polar, with phenylalanine, which is neutral and non-polar, at codon 296 of the DMXL2 protein (p.Ser296Phe). This variant is present in population databases (rs753940120, gnomAD 0.007%). This variant has not been reported in the literature in individuals affected with DMXL2-related conditions. Algorithms developed to predict the effect of missense changes on protein structure and function are either unavailable or do not agree on the potential impact of this missense change (SIFT: "Deleterious"; PolyPhen-2: "Benign"; Align-GVGD: "Class C0"). In summary, the available evidence is currently insufficient to determine the role of this variant in disease. Therefore, it has been classified as a Variant of Uncertain Significance.